The following is an entry in ClinVar:

ClinVar aggregate classification (germline): Uncertain significance (1 of 4 stars; one submission).

Allele frequency attached by ClinVar (database versions not stated): gnomAD exomes below 0.00001 and 0.00001; TOPMed below 0.00001; ExAC 0.00001.
gnomAD v4.1: 7 of 1,613,706 alleles (0.00043%); highest among the groups gnomAD compares: Middle Eastern, 0.033%; 1 homozygote.

Submission:

Labcorp Genetics (formerly Invitae), Labcorp
Classification: Uncertain significance. Last evaluated: 2021-10-24. Review status: criteria provided, single submitter. Criteria: Invitae Variant Classification Sherloc (09022015). Collection method: clinical testing. Allele origin: germline.
Comment: In summary, the available evidence is currently insufficient to determine the role of this variant in disease. Therefore, it has been classified as a Variant of Uncertain Significance. Algorithms developed to predict the effect of missense changes on protein structure and function (SIFT, PolyPhen-2, Align-GVGD) all suggest that this variant is likely to be tolerated. This variant has not been reported in the literature in individuals affected with CEP89-related conditions. This variant is present in population databases (rs766677775, ExAC 0.002%). This sequence change replaces isoleucine with methionine at codon 347 of the CEP89 protein (p.Ile347Met). The isoleucine residue is moderately conserved and there is a small physicochemical difference between isoleucine and methionine.

NM_032816.5(CEP89):c.1041T>G (p.Ile347Met)

Gene: CEP89 (centrosomal protein 89; minus strand). Cytogenetic location: 19q13.11.
Variant type: single nucleotide variant.
Coding change: c.1041T>G on transcript NM_032816.5 (MANE Select); coding-DNA position 1041, T replaced by G.
Protein change: p.Ile347Met; replaces isoleucine 347 with methionine.
Molecular consequence: missense variant.
Genome position (GRCh38, 1-based): chr19:32,926,973, A>C on the plus strand (T>G on the coding strand, the complement: CEP89 is on the minus strand). VCF-style: chr19-32926973-A-C. GRCh37 (hg19) VCF-style: chr19-33417879-A-C.
Other names: short protein forms I347M.
Identifiers: ClinVar variation 1383624 (VCV001383624.6), dbSNP rs766677775, ClinGen allele CA9359433.